The following is an entry in ClinVar:

ClinVar aggregate classification (germline): Uncertain significance (1 of 4 stars; one submission).

Conditions:
MAGEL2-related disorder. Also called: MAGEL2-related condition.

Submission:

PreventionGenetics, part of Exact Sciences
Classification: Uncertain significance for MAGEL2-related condition. Last evaluated: 2026-03-31. Review status: criteria provided, single submitter. Criteria: ACMG Guidelines, 2015. Collection method: clinical testing. Allele origin: germline.
Comment: The MAGEL2 c.3517C>A variant is predicted to result in the amino acid substitution p.Pro1173Thr. To our knowledge, this variant has not been reported in the literature or in a large population database (gnomAD), indicating this variant is rare. At this time, the clinical significance of this variant is uncertain due to the absence of conclusive functional and genetic evidence.

NM_019066.5(MAGEL2):c.3517C>A (p.Pro1173Thr)

Gene: MAGEL2 (MAGE family member L2; minus strand). Cytogenetic location: 15q11.2.
Variant type: single nucleotide variant.
Coding change: c.3517C>A on transcript NM_019066.5 (MANE Select); coding-DNA position 3517, C replaced by A.
Protein change: p.Pro1173Thr; replaces proline 1173 with threonine.
Molecular consequence: missense variant.
Genome position (GRCh38, 1-based): chr15:23,644,226, G>T on the plus strand (C>A on the coding strand, the complement: MAGEL2 is on the minus strand). VCF-style: chr15-23644226-G-T. GRCh37 (hg19) VCF-style: chr15-23889373-G-T.
Other names: short protein forms P1173T.
Identifiers: ClinVar variation 4994986 (VCV004994986.1).